The following is an entry in ClinVar:

NM_005604.4(POU3F2):c.239dup (p.Gly81fs)

Gene: POU3F2 (POU class 3 homeobox 2; plus strand). Cytogenetic location: 6q16.1.
Variant type: Duplication.
Coding change: c.239dup on transcript NM_005604.4 (MANE Select); coding-DNA position 239, one base duplicated (G; older notation c.239dupG).
Protein change: p.Gly81fs; shifts the reading frame from glycine 81.
Molecular consequence: frameshift variant.
Genome position (GRCh38, 1-based): chr6:98,835,112, G duplicated; the last of 8 consecutive G bases (chr6:98,835,105-98,835,112); duplicating any one gives the same sequence. VCF-style (leftmost placement, unchanged base first): chr6-98835104-C-CG. GRCh37 (hg19) VCF-style: chr6-99282980-C-CG.
Other names: short protein forms G81fs.
Identifiers: ClinVar variation 4851831 (VCV004851831.1).

ClinVar aggregate classification (germline): Uncertain significance (1 of 4 stars; one submission).

Submission:

Dasa
Classification: Uncertain significance. Last evaluated: 2025-12-16. Review status: criteria provided, single submitter. Criteria: DASA Assertion Criteria. Collection method: clinical testing. Allele origin: germline.
Comment: NM_005604.4(POU3F2):c.239dup (p.Gly81Argfs*80) introduces a premature termination codon predicted to result in loss of normal protein function. Loss-of-function is an established mechanism of disease for this gene. The variant is present at low frequency in population datasets. Based on the available data, this variant is classified as variant of uncertain significance.